The following is an entry in ClinVar:

ClinVar aggregate classification (germline): Uncertain significance (1 of 4 stars; one submission).

Conditions:
Inborn genetic diseases. Identifiers: MedGen C0950123, MeSH D030342.

Submission:

Ambry Genetics
Classification: Uncertain significance for Inborn genetic diseases. Last evaluated: 2025-02-08. Review status: criteria provided, single submitter. Criteria: Ambry Variant Classification Scheme 2023. Collection method: clinical testing. Allele origin: germline.
Comment: The p.R759I variant (also known as c.2276G>T), located in coding exon 1 of the SAMD9 gene, results from a G to T substitution at nucleotide position 2276. The arginine at codon 759 is replaced by isoleucine, an amino acid with similar properties. This amino acid position is conserved. In addition, this alteration is predicted to be deleterious by in silico analysis. Based on the available evidence, the clinical significance of this variant remains unclear.

NM_017654.4(SAMD9):c.2276G>T (p.Arg759Ile)

Gene: SAMD9 (sterile alpha motif domain containing 9; minus strand). Cytogenetic location: 7q21.2.
Variant type: single nucleotide variant.
Coding change: c.2276G>T on transcript NM_017654.4 (MANE Select); coding-DNA position 2276, G replaced by T.
Protein change: p.Arg759Ile; replaces arginine 759 with isoleucine.
Molecular consequence: missense variant.
Genome position (GRCh38, 1-based): chr7:93,103,822, C>A on the plus strand (G>T on the coding strand, the complement: SAMD9 is on the minus strand). VCF-style: chr7-93103822-C-A. GRCh37 (hg19) VCF-style: chr7-92733135-C-A.
Other names: c.2276G>T, p.Arg759Ile (NM_001193307.2); short protein forms R759I.
Identifiers: ClinVar variation 3792061 (VCV003792061.1).